The following is an entry in ClinVar:

ClinVar aggregate classification (germline): Uncertain significance (1 of 4 stars; one submission).

Conditions:
Chuvash polycythemia. Also called: POLYCYTHEMIA, VHL-DEPENDENT. Identifiers: Orphanet 238557, MedGen C1837915, MONDO:0009892, OMIM 263400.
Von Hippel-Lindau syndrome (VHLS). Also called: von Hippel–Lindau syndrome; VHL syndrome; Von Hippel-Lindau. Identifiers: Orphanet 892, MedGen C0019562, MONDO:0008667, OMIM 193300. Disease mechanism: loss of function.

Submission:

Labcorp Genetics (formerly Invitae), Labcorp
Classification: Uncertain significance for Von Hippel-Lindau syndrome; Chuvash polycythemia. Last evaluated: 2025-05-07. Review status: criteria provided, single submitter. Criteria: Invitae Variant Classification Sherloc (09022015). Collection method: clinical testing. Allele origin: germline.
Comment: This sequence change falls in intron 1 of the VHL gene. It is not expected to change the encoded amino acid sequence of the VHL protein. However, this sequence change falls within a cryptic exon in the VHL gene, known as exon E1’, which is naturally expressed at low levels in several human tissues (PMID: 29891534). This variant is not present in population databases (gnomAD no frequency). This variant has not been reported in the literature in individuals affected with VHL-related conditions. Algorithms developed to predict the effect of sequence changes on RNA splicing suggest that this variant is not likely to affect RNA splicing. In summary, the available evidence is currently insufficient to determine the role of this variant in disease. Therefore, it has been classified as a Variant of Uncertain Significance.

Literature cited by the submitters: PubMed 29891534.

NM_000551.4(VHL):c.340+779G>T

Genes: VHL (von Hippel-Lindau tumor suppressor; plus strand), LOC107303340 (3p25 von Hippel-Lindau tumor suppressor, E3 ubiquitin protein ligase Alu-mediated recombination region; plus strand). Cytogenetic location: 3p25.3.
Variant type: single nucleotide variant.
Coding change: c.340+779G>T on transcript NM_000551.4 (MANE Select); 779 bases into the intron after coding-DNA position 340, G replaced by T.
Molecular consequence: intron variant. On other transcripts: nonsense (1), non-coding transcript variant (1).
Genome position (GRCh38, 1-based): chr3:10,142,966, G>T. VCF-style: chr3-10142966-G-T. GRCh37 (hg19) VCF-style: chr3-10184650-G-T.
Other names: c.544G>T, p.Glu182Ter (NM_001354723.2); c.340+779G>T (NM_198156.3); short protein forms E182*.
Identifiers: ClinVar variation 4793803 (VCV004793803.1).